The following is an entry in ClinVar:

NM_002936.4(RNASEH1):c.-126A>G

Genes: RNASEH1 (ribonuclease H1; minus strand), RNASEH1-DT (RNASEH1 divergent transcript; plus strand), LOC129933002 (ATAC-STARR-seq lymphoblastoid active region 15231; plus strand). Cytogenetic location: 2p25.3.
Variant type: single nucleotide variant.
Coding change: c.-126A>G on transcript NM_002936.4; 126 bases upstream of the start codon, A replaced by G.
Molecular consequence: non-coding transcript variant (on NR_038429.1).
Genome position (GRCh38, 1-based): chr2:3,558,386, T>C on the plus strand (A>G on the coding strand, the complement: RNASEH1 is on the minus strand). VCF-style: chr2-3558386-T-C. GRCh37 (hg19) VCF-style: chr2-3605976-T-C.
Identifiers: ClinVar variation 673768 (VCV000673768.4), dbSNP rs115672056, ClinGen allele CA41532726.
Genomic context (GRCh38, chr2:3,558,386, plus strand): 5'-TCAACACCGCACTTCCGTCACCGGCGCGGGAAGATGACGCACGTCTGGGCGGAGTCCTGA[T>C]GAGGGCCGGGGCCTAGGGAGGGGCGGTGTCGTAGGGCGGAGCCCGGAGCTCGGCCCCTGA-3'

ClinVar aggregate classification (germline): Benign. Review status: criteria provided, multiple submitters, no conflicts (2 of 4 stars). 2 submissions from 2 submitters: Benign (2). Last evaluated 2018-06-16.

Allele frequency attached by ClinVar (database versions not stated): TOPMed 0.03566; 1000 Genomes Project 0.03135; 1000 Genomes Project 30x 0.03513.

Submissions (2):

GeneDx
Classification: Benign. Last evaluated: 2018-06-16. Review status: criteria provided, single submitter. Criteria: GeneDx Variant Classification (06012015). Collection method: clinical testing. Allele origin: germline. Affected: yes.
Comment: This variant is considered likely benign or benign based on one or more of the following criteria: it is a conservative change, it occurs at a poorly conserved position in the protein, it is predicted to be benign by multiple in silico algorithms, and/or has population frequency not consistent with disease.

Breakthrough Genomics
Classification: Benign. Review status: criteria provided, single submitter. Criteria: ACMG Guidelines, 2015. Collection method: not provided. Allele origin: germline. Inheritance: Autosomal recessive inheritance. Affected: yes.